The following is an entry in ClinVar:

ClinVar aggregate classification (germline): Uncertain significance (1 of 4 stars; one submission).

Conditions:
Cardiovascular phenotype. Identifiers: MedGen CN230736.

Submission:

Ambry Genetics
Classification: Uncertain significance for Cardiovascular phenotype. Last evaluated: 2024-12-26. Review status: criteria provided, single submitter. Criteria: Ambry Variant Classification Scheme 2023. Collection method: clinical testing. Allele origin: germline.
Comment: The p.E612Q variant (also known as c.1834G>C), located in coding exon 13 of the ABCA1 gene, results from a G to C substitution at nucleotide position 1834. The glutamic acid at codon 612 is replaced by glutamine, an amino acid with highly similar properties. This amino acid position is not well conserved in available vertebrate species. In addition, this alteration is predicted to be tolerated by in silico analysis. Based on the available evidence, the clinical significance of this variant remains unclear.

NM_005502.4(ABCA1):c.1834G>C (p.Glu612Gln)

Gene: ABCA1 (ATP binding cassette subfamily A member 1; minus strand). Cytogenetic location: 9q31.1.
Variant type: single nucleotide variant.
Coding change: c.1834G>C on transcript NM_005502.4 (MANE Select); coding-DNA position 1834, G replaced by C.
Protein change: p.Glu612Gln; replaces glutamic acid 612 with glutamine.
Molecular consequence: missense variant.
Genome position (GRCh38, 1-based): chr9:104,830,983, C>G on the plus strand (G>C on the coding strand, the complement: ABCA1 is on the minus strand). VCF-style: chr9-104830983-C-G. GRCh37 (hg19) VCF-style: chr9-107593264-C-G.
Other names: short protein forms E612Q.
Identifiers: ClinVar variation 3832317 (VCV003832317.1).